The following is an entry in ClinVar:

NM_001005361.3(DNM2):c.2372C>T (p.Pro791Leu)

Gene: DNM2 (dynamin 2; plus strand). Cytogenetic location: 19p13.2.
Variant type: single nucleotide variant.
Coding change: c.2372C>T on transcript NM_001005361.3 (MANE Select); coding-DNA position 2372, C replaced by T.
Protein change: p.Pro791Leu; replaces proline 791 with leucine.
Molecular consequence: missense variant.
Genome position (GRCh38, 1-based): chr19:10,830,207, C>T. VCF-style: chr19-10830207-C-T. GRCh37 (hg19) VCF-style: chr19-10940883-C-T.
Other names: c.2372C>T, p.Pro791Leu (NM_001005360.3, NM_001190716.2); c.2360C>T, p.Pro787Leu (NM_001005362.3, NM_004945.4); short protein forms P791L, P787L.
Identifiers: ClinVar variation 1041940 (VCV001041940.9), dbSNP rs780738840, ClinGen allele CA9201604.
Genomic context (GRCh38, chr19:10,830,207, plus strand): 5'-CGGTGTCCAGCATACACCCCCCTGGCCGGCCCCCAGCAGTGAGGGGCCCCACTCCAGGGC[C>T]CCCCCTGATTCCTGTTCCCGTGGGGGCAGCAGCCTCCTTCTCGGCGCCCCCAATCCCATC-3'
Protein context (NP_001005361.1, residues 781-801): PPAVRGPTPG[Pro791Leu]PLIPVPVGAA

ClinVar aggregate classification (germline): Uncertain significance. Review status: criteria provided, multiple submitters, no conflicts (2 of 4 stars). 2 submissions from 2 submitters: Uncertain significance (2). Last evaluated 2025-10-13.

Conditions:
Charcot-Marie-Tooth disease dominant intermediate B (CMTDIB). Also called: Charcot-Marie-Tooth disease dominant intermediate 1; CMT DI1; Charcot-Marie-Tooth disease dominant intermediate I; CHARCOT-MARIE-TOOTH NEUROPATHY, DOMINANT INTERMEDIATE B. Identifiers: Orphanet 100044, Orphanet 228179, MedGen C1847902, MONDO:0011674, OMIM 606482.

Allele frequency attached by ClinVar (database versions not stated): TOPMed 0.00002.
gnomAD v4.1: 5 of 1,613,860 alleles (0.00031%); highest among the groups gnomAD compares: East Asian, 0.0022%; no homozygotes.

Submissions (2):

Labcorp Genetics (formerly Invitae), Labcorp
Classification: Uncertain significance for Charcot-Marie-Tooth disease dominant intermediate B. Last evaluated: 2025-10-13. Review status: criteria provided, single submitter. Criteria: Invitae Variant Classification Sherloc (09022015). Collection method: clinical testing. Allele origin: germline.
Comment: This sequence change replaces proline, which is neutral and non-polar, with leucine, which is neutral and non-polar, at codon 791 of the DNM2 protein (p.Pro791Leu). This variant is present in population databases (rs780738840, gnomAD 0.0009%). This variant has not been reported in the literature in individuals affected with DNM2-related conditions. ClinVar contains an entry for this variant (Variation ID: 1041940). Invitae Evidence Modeling of protein sequence and biophysical properties (such as structural, functional, and spatial information, amino acid conservation, physicochemical variation, residue mobility, and thermodynamic stability) indicates that this missense variant is not expected to disrupt DNM2 protein function with a negative predictive value of 95%. In summary, the available evidence is currently insufficient to determine the role of this variant in disease. Therefore, it has been classified as a Variant of Uncertain Significance.

Mendelics
Classification: Uncertain significance. Last evaluated: 2022-05-04. Review status: criteria provided, single submitter. Criteria: Mendelics Assertion Criteria 2019. Collection method: clinical testing. Allele origin: germline.